The following is an entry in ClinVar:

NM_144596.4(TTC8):c.509C>T (p.Pro170Leu)

Gene: TTC8 (tetratricopeptide repeat domain 8; plus strand). Cytogenetic location: 14q31.3.
Variant type: single nucleotide variant.
Coding change: c.509C>T on transcript NM_144596.4 (MANE Select); coding-DNA position 509, C replaced by T.
Protein change: p.Pro170Leu; replaces proline 170 with leucine.
Molecular consequence: missense variant. On other transcripts: non-coding transcript variant (1), intron variant (3), 5 prime UTR variant (1).
Genome position (GRCh38, 1-based): chr14:88,841,444, C>T. VCF-style: chr14-88841444-C-T. GRCh37 (hg19) VCF-style: chr14-89307788-C-T.
Other names: c.479C>T, p.Pro160Leu (NM_001366535.2, NM_198309.3, NM_001288781.1); c.-199+248C>T (NM_001288783.1); c.459+248C>T (NM_198310.3, NM_001366536.2); c.-84C>T (NM_001288782.1); short protein forms P170L, P160L.
Identifiers: ClinVar variation 1041047 (VCV001041047.9), dbSNP rs1006330985, ClinGen allele CA264584131.

ClinVar aggregate classification (germline): Uncertain significance (1 of 4 stars; one submission).

Conditions:
Bardet-Biedl syndrome (BBS). Identifiers: Orphanet 110, MedGen C0752166, MONDO:0015229.

gnomAD v4.1: 1 of 1,613,738 alleles (0.000062%); highest among the groups gnomAD compares: Non-Finnish European, 0.000085%; no homozygotes.

Submission:

Labcorp Genetics (formerly Invitae), Labcorp
Classification: Uncertain significance for Bardet-Biedl syndrome. Last evaluated: 2020-02-25. Review status: criteria provided, single submitter. Criteria: Invitae Variant Classification Sherloc (09022015). Collection method: clinical testing. Allele origin: germline.
Comment: This sequence change replaces proline with leucine at codon 160 of the TTC8 protein (p.Pro160Leu). The proline residue is highly conserved and there is a moderate physicochemical difference between proline and leucine. This variant is not present in population databases (ExAC no frequency). This variant has not been reported in the literature in individuals with TTC8-related conditions. Algorithms developed to predict the effect of missense changes on protein structure and function are either unavailable or do not agree on the potential impact of this missense change (SIFT: "Deleterious"; PolyPhen-2: "Benign"; Align-GVGD: "Class C0"). In summary, the available evidence is currently insufficient to determine the role of this variant in disease. Therefore, it has been classified as a Variant of Uncertain Significance.